The following is an entry in ClinVar:

ClinVar aggregate classification (germline): Uncertain significance. Review status: criteria provided, multiple submitters, no conflicts (2 of 4 stars). 2 submissions from 2 submitters: Uncertain significance (2). Last evaluated 2025-11-10.

Allele frequency attached by ClinVar (database versions not stated): gnomAD exomes below 0.00001; ExAC 0.00001.
gnomAD v4.1: 5 of 1,613,962 alleles (0.00031%); highest among the groups gnomAD compares: Middle Eastern, 0.017%; no homozygotes.

Submissions (2):

Labcorp Genetics (formerly Invitae), Labcorp
Classification: Uncertain significance. Last evaluated: 2025-11-10. Review status: criteria provided, single submitter. Criteria: Invitae Variant Classification Sherloc (09022015). Collection method: clinical testing. Allele origin: germline.
Comment: This sequence change replaces serine, which is neutral and polar, with glycine, which is neutral and non-polar, at codon 4748 of the ADGRV1 protein (p.Ser4748Gly). This variant is present in population databases (rs755596802, gnomAD 0.0009%). This variant has not been reported in the literature in individuals affected with ADGRV1-related conditions. ClinVar contains an entry for this variant (Variation ID: 1502800). Invitae Evidence Modeling of protein sequence and biophysical properties (such as structural, functional, and spatial information, amino acid conservation, physicochemical variation, residue mobility, and thermodynamic stability) indicates that this missense variant is not expected to disrupt ADGRV1 protein function with a negative predictive value of 95%. In summary, the available evidence is currently insufficient to determine the role of this variant in disease. Therefore, it has been classified as a Variant of Uncertain Significance.

Blueprint Genetics
Classification: Uncertain significance. Last evaluated: 2022-11-17. Review status: criteria provided, single submitter. Criteria: ACMG Guidelines, 2015. Collection method: clinical testing. Allele origin: germline.

NM_032119.4(ADGRV1):c.14242A>G (p.Ser4748Gly)

Gene: ADGRV1 (adhesion G protein-coupled receptor V1; plus strand). Cytogenetic location: 5q14.3.
Variant type: single nucleotide variant.
Coding change: c.14242A>G on transcript NM_032119.4 (MANE Select); coding-DNA position 14242, A replaced by G.
Protein change: p.Ser4748Gly; replaces serine 4748 with glycine.
Molecular consequence: missense variant. On other transcripts: non-coding transcript variant (1).
Genome position (GRCh38, 1-based): chr5:90,791,071, A>G. VCF-style: chr5-90791071-A-G. GRCh37 (hg19) VCF-style: chr5-90086888-A-G.
Other names: short protein forms S4748G.
Identifiers: ClinVar variation 1502800 (VCV001502800.7), dbSNP rs755596802, ClinGen allele CA3341696.